The following is an entry in ClinVar:

NM_001371623.1(TCOF1):c.4293T>C (p.Gly1431=)

Gene: TCOF1 (treacle ribosome biogenesis factor 1; plus strand). Cytogenetic location: 5q32.
Variant type: single nucleotide variant.
Coding change: c.4293T>C on transcript NM_001371623.1 (MANE Select); coding-DNA position 4293, T replaced by C.
Protein change: p.Gly1431=; no amino-acid change (glycine 1431 retained).
Molecular consequence: synonymous variant.
Genome position (GRCh38, 1-based): chr5:150,396,790, T>C. VCF-style: chr5-150396790-T-C. GRCh37 (hg19) VCF-style: chr5-149776353-T-C.
Other names: c.4059T>C, p.Gly1353= (NM_000356.4); c.4290T>C, p.Gly1430= (NM_001135243.2); c.4179T>C, p.Gly1393= (NM_001135244.2); c.4062T>C, p.Gly1354= (NM_001135245.2); c.4176T>C, p.Gly1392= (NM_001195141.2).
Identifiers: ClinVar variation 3034002 (VCV003034002.2), dbSNP rs1768620993, ClinGen allele CA447409550.

ClinVar aggregate classification (germline): Benign (0 of 4 stars; one submission).

Conditions:
TCOF1-related disorder. Also called: TCOF1-related condition.

Allele frequency attached by ClinVar (database versions not stated): TOPMed below 0.00001; gnomAD exomes 0.00001.
gnomAD v4.1: 8 of 1,610,516 alleles (0.0005%); highest among the groups gnomAD compares: Non-Finnish European, 0.00068%; no homozygotes.

Submission:

PreventionGenetics, part of Exact Sciences
Classification: Benign for TCOF1-related condition. Last evaluated: 2019-06-13. Review status: no assertion criteria provided. Collection method: clinical testing. Allele origin: germline.
Comment: This variant is classified as benign based on ACMG/AMP sequence variant interpretation guidelines (Richards et al. 2015 PMID: 25741868, with internal and published modifications).